The following is an entry in ClinVar:

ClinVar aggregate classification (germline): Pathogenic. Review status: criteria provided, multiple submitters, no conflicts (2 of 4 stars). 9 submissions from 9 submitters: Pathogenic (8). 1 of the submissions does not count toward it. Last evaluated 2025-07-10.

Conditions:
Hereditary cancer-predisposing syndrome. Also called: Tumor predisposition; Hereditary neoplastic syndrome; Neoplastic Syndromes, Hereditary; Hereditary Cancer Syndrome. Identifiers: Orphanet 140162, MedGen C0027672, MeSH D009386, MONDO:0015356.
Gastric cancer. Also called: Stomach cancer; Malignant tumor of stomach. Identifiers: MedGen C0024623, MeSH D013274, MONDO:0001056, OMIM 613659, HP:0012126.
Familial cancer of breast. Also called: Hereditary breast cancer; BREAST CANCER, FAMILIAL; hereditary breast carcinoma. Identifiers: Orphanet 227535, MedGen C0346153, MONDO:0016419, OMIM 114480. Disease mechanism: loss of function.

Allele frequency attached by ClinVar (database versions not stated): gnomAD exomes 0.00001; TOPMed 0.00002.

Submissions (9):

Molecular Diagnostics Laboratory, Catalan Institute of Oncology
Classification: Pathogenic for Hereditary cancer-predisposing syndrome. Last evaluated: 2025-07-10. Review status: criteria provided, single submitter. Criteria: ClinGen ACMG Specifications PALB2 V1.1.0. Collection method: clinical testing. Allele origin: germline.
Comment: PVS1, PM3_Supporting, PM5_Supporting c.1675C>T, located in exon 4 of the PALB2 gene, is a nonsense variant expected to result in loss of function by premature protein truncation and nonsense-mediated mRNA decay, p.(Gln559*) (PVS1, PM5_Supporting).This variant is found in 2/267086 alleles at a frequency of 0.0007% in the gnomAD v2.1.1 database, non-cancer dataset. The SpliceAI algorithm predicts no significant impact on splicing. This variant has been reported in a patient with Fanconi anemia, who was heterozygous for the variant and a pathogenic or likely pathogenic variant, but it was not confirmed to be in trans (PMID: 30792206) (PM3_Supporting). This variant has been reported in the ClinVar database (8x pathogenic) and in the LOVD database (2x pathogenic, 1x uncertain significance). Based on the currently available evidence, the variant c.1675C>T should be considered pathogenic according to ClinGen-PALB2 Guidelines version 1.1.0.

Quest Diagnostics Nichols Institute San Juan Capistrano
Classification: Pathogenic. Last evaluated: 2025-05-12. Review status: criteria provided, single submitter. Criteria: Quest Diagnostics criteria. Collection method: clinical testing. Allele origin: unknown.
Comment: The PALB2 c.1675C>T (p.Gln559*) variant causes the premature termination of PALB2 protein synthesis. This variant has been reported in the published literature in individuals affected with breast cancer (PMID: 30306255 (2018), 30287823 (2018)), Fanconi anemia (PMID: 30792206 (2019)) and in reportedly unaffected individuals (PMID: 30287823 (2018)). The frequency of this variant in the general population (Genome Aggregation Database) is consistent with pathogenicity. Based on the available information, this variant is classified as pathogenic.

Ambry Genetics
Classification: Pathogenic for Hereditary cancer-predisposing syndrome. Last evaluated: 2024-10-25. Review status: criteria provided, single submitter. Criteria: Ambry Variant Classification Scheme 2023. Collection method: clinical testing. Allele origin: germline.
Comment: The p.Q559* pathogenic mutation (also known as c.1675C>T), located in coding exon 4 of the PALB2 gene, results from a C to T substitution at nucleotide position 1675. This changes the amino acid from a glutamine to a stop codon within coding exon 4. This alteration was observed in 8/7051 unselected female breast cancer patients and was observed in 1/11241 female controls and 1/12490 male controls of Japanese ancestry (Momozawa Y et al. Nat Commun, 2018 10;9:4083). In addition to the clinical data presented in the literature, this alteration is expected to result in loss of function by premature protein truncation or nonsense-mediated mRNA decay. As such, this alteration is interpreted as a disease-causing mutation.

GeneDx
Classification: Pathogenic. Last evaluated: 2024-09-04. Review status: criteria provided, single submitter. Criteria: GeneDx Variant Classification Process June 2021. Collection method: clinical testing. Allele origin: germline. Affected: yes.
Comment: Nonsense variant predicted to result in protein truncation or nonsense mediated decay in a gene for which loss of function is a known mechanism of disease; Truncating variants in this gene are considered pathogenic by a well-established clinical consortium and/or database; Not observed at significant frequency in large population cohorts (gnomAD); This variant is associated with the following publications: (PMID: 30287823, 33574475, 33309985, 17200668, 33413558, 24136930, 25099575, 30306255, 30792206, 37511102, 29922827)

Baylor Genetics
Classification: Pathogenic for Familial cancer of breast. Last evaluated: 2024-03-10. Review status: criteria provided, single submitter. Criteria: ACMG Guidelines, 2015. Collection method: clinical testing. Allele origin: unknown.

Myriad Genetics, Inc.
Classification: Pathogenic for Familial cancer of breast. Last evaluated: 2023-09-11. Review status: criteria provided, single submitter. Criteria: Myriad Autosomal Dominant, Autosomal Recessive and X-Linked Classification Criteria (2023). Collection method: clinical testing. Allele origin: unknown.
Comment: This variant is considered pathogenic. This variant creates a termination codon and is predicted to result in premature protein truncation.

Labcorp Genetics (formerly Invitae), Labcorp
Classification: Pathogenic for Familial cancer of breast. Last evaluated: 2021-10-28. Review status: criteria provided, single submitter. Criteria: Invitae Variant Classification Sherloc (09022015). Collection method: clinical testing. Allele origin: germline.
Comment: For these reasons, this variant has been classified as Pathogenic. ClinVar contains an entry for this variant (Variation ID: 480240). This premature translational stop signal has been observed in individual(s) with breast cancer (PMID: 30287823, 30306255). It has also been observed to segregate with disease in related individuals. This variant is present in population databases (no rsID available, gnomAD 0.006%). This sequence change creates a premature translational stop signal (p.Gln559*) in the PALB2 gene. It is expected to result in an absent or disrupted protein product. Loss-of-function variants in PALB2 are known to be pathogenic (PMID: 17200668, 17200671, 17200672, 24136930, 25099575).

Mendelics
Classification: Pathogenic for Familial cancer of breast. Last evaluated: 2019-05-28. Review status: criteria provided, single submitter. Criteria: Mendelics Assertion Criteria 2017. Collection method: clinical testing. Allele origin: unknown.

Laboratory for Genotyping Development, RIKEN
Classification: Pathogenic for Gastric cancer. Last evaluated: 2021-07-01. Review status: no assertion criteria provided. Collection method: research. Allele origin: germline. Not counted in ClinVar's aggregate classification.

Literature cited by the submitters: PubMed 30306255 (cited by 3 submitters); PubMed 30287823 (cited by 3 submitters); PubMed 30792206 (cited by Quest Diagnostics Nichols Institute San Juan Capistrano); PubMed 17200668 (cited by Labcorp Genetics (formerly Invitae), Labcorp); PubMed 17200671 (cited by Labcorp Genetics (formerly Invitae), Labcorp); PubMed 17200672 (cited by Labcorp Genetics (formerly Invitae), Labcorp); PubMed 24136930 (cited by Labcorp Genetics (formerly Invitae), Labcorp); PubMed 25099575 (cited by Labcorp Genetics (formerly Invitae), Labcorp); PubMed 36988593 (cited by Laboratory for Genotyping Development, RIKEN).

NM_024675.4(PALB2):c.1675C>T (p.Gln559Ter)

Gene: PALB2 (partner and localizer of BRCA2; minus strand). Cytogenetic location: 16p12.2.
Variant type: single nucleotide variant.
Coding change: c.1675C>T on transcript NM_024675.4 (MANE Select); coding-DNA position 1675, C replaced by T.
Protein change: p.Gln559Ter; replaces glutamine 559 with a stop codon.
Molecular consequence: nonsense.
Genome position (GRCh38, 1-based): chr16:23,634,871, G>A on the plus strand (C>T on the coding strand, the complement: PALB2 is on the minus strand). VCF-style: chr16-23634871-G-A. GRCh37 (hg19) VCF-style: chr16-23646192-G-A.
Other names: short protein forms Q559*.
Identifiers: ClinVar variation 480240 (VCV000480240.39), dbSNP rs1555461154, ClinGen allele CA395129920.
Genomic context (GRCh38, chr16:23,634,871, plus strand): 5'-TTGTTAACTTTCATCATCATCATCATCATCATCAAACACATCTTGATTTACCTTTCACTT[G>A]AATAAATAATTTTTCGTGCTGATATTTGTGTGAGGTGACTTCTTCCTTGGACCTGTTAAC-3'